The following continues an entry in ClinVar:

NM_000441.2(SLC26A4):c.2015G>A (p.Gly672Glu)

Gene: SLC26A4. ClinVar aggregate classification (germline): Pathogenic/Likely pathogenic. Pathogenic (12); Likely pathogenic (5).

Submissions 16 to 18 of 18:

Laboratory for Molecular Medicine, Mass General Brigham Personalized Medicine
Classification: Pathogenic for Rare genetic deafness. Last evaluated: 2015-02-19. Review status: criteria provided, single submitter. Criteria: LMM Criteria. Collection method: clinical testing. Allele origin: germline. Inheritance: Autosomal recessive inheritance. Observed: 4 variant alleles.
Comment: The variant segregated with Pendred syndrome or hearing loss in 4 affected family members across 3 families, and all affected individuals were either homozygous for this variant or carried a second SLC26A4 variant (Coyle 1998, Campbell 2001, LMM unpublished data). In addition, functio nal analysis revealed that this variant causes the protein to be retained in the cytoplasm and abolishes its normal function at the cell surface (Taylor 2002). This variant was also identified in 5/66278 European chromosomes by the Exome Ag gregation Consortium (ExAC; dbSNP rs111033309); however, this frequency is low enough to be consistent with a recessive carrier frequency. In summary, the p.Gly672Glu variant meets our criteria to be classifi ed as pathogenic.

UNC Molecular Genetics  Laboratory, University of North Carolina at Chapel Hill
Classification: Likely pathogenic for Pendred syndrome. Review status: criteria provided, single submitter. Criteria: ACMG Guidelines, 2015. Collection method: research. Allele origin: germline. Affected: no. Observed: 1 variant allele. Study: NSIGHT-NC NEXUS.
Comment: The SLC26A4 c.2015G>A (p.G672E) variant has been observed in the homozygous or compound heterozygous state in 3 families with Pendred syndrome or a dilated vestibular aqueduct (PMID: 9618167;11317356).

carrier finding

PreventionGenetics, part of Exact Sciences
Classification: Pathogenic for SLC26A4-related condition. Last evaluated: 2024-03-28. Review status: no assertion criteria provided. Collection method: clinical testing. Allele origin: germline. Not counted in ClinVar's aggregate classification.
Comment: The SLC26A4 c.2015G>A variant is predicted to result in the amino acid substitution p.Gly672Glu. This variant has been reported to be causative for Pendred syndrome (Coyle et al. 1998. PubMed ID: 9618167; Campbell et al. 2001. PubMed ID: 11317356). Functional studies showed that this variant had reduced localization to the cell surface and abolished iodide efflux in an in vitro assay (Taylor et al. 2002. PubMed ID: 11932316). This variant is reported in 0.012% of alleles in individuals of African descent in gnomAD. This variant is interpreted as pathogenic.

Literature cited by the submitters: PubMed 9618167 (cited by 6 submitters); PubMed 11317356 (cited by 6 submitters); PubMed 21366435 (cited by Labcorp Genetics (formerly Invitae), Labcorp and Natera, Inc.); PubMed 11932316 (cited by 5 submitters); PubMed 23555729 (cited by Natera, Inc.); PubMed 16950989 (cited by Women's Health and Genetics/Laboratory Corporation of America, LabCorp); PubMed 14679580 (cited by Molecular Diagnostics Lab, Nemours Children's Health, Delaware).